The following is an entry in ClinVar:

NM_017866.6(TMEM70):c.22_23delinsCC (p.Ser8Pro)

Gene: TMEM70 (transmembrane protein 70; plus strand). Cytogenetic location: 8q21.11.
Variant type: Indel.
Coding change: c.22_23delinsCC on transcript NM_017866.6 (MANE Select); coding-DNA positions 22 to 23, AG replaced by CC.
Protein change: p.Ser8Pro; replaces serine 8 with proline.
Molecular consequence: missense variant. On other transcripts: non-coding transcript variant (1).
Genome position (GRCh38, 1-based): chr8:73,976,303-73,976,304, AG replaced by CC. VCF-style: chr8-73976303-AG-CC. GRCh37 (hg19) VCF-style: chr8-74888538-AG-CC.
Other names: c.22_23delinsCC, p.Ser8Pro (NM_001040613.3); short protein forms S8P.
Identifiers: ClinVar variation 2123547 (VCV002123547.4), dbSNP rs2536389330, ClinGen allele CA2580078935.

ClinVar aggregate classification (germline): Uncertain significance (1 of 4 stars; one submission).

Conditions:
Mitochondrial complex V (ATP synthase) deficiency, nuclear type 2. Also called: Nuclear-Encoded ATPase Deficiency, TMEM70-Related; ENCEPHALOCARDIOMYOPATHY, MITOCHONDRIAL, NEONATAL, DUE TO ATP SYNTHASE DEFICIENCY; MITOCHONDRIAL COMPLEX V (ATP SYNTHASE) DEFICIENCY, TMEM70 TYPE. Identifiers: Orphanet 1194, MedGen C3279699, MONDO:0013546, OMIM 614052.

Submission:

Labcorp Genetics (formerly Invitae), Labcorp
Classification: Uncertain significance for Mitochondrial complex V (ATP synthase) deficiency, nuclear type 2. Last evaluated: 2022-08-05. Review status: criteria provided, single submitter. Criteria: Invitae Variant Classification Sherloc (09022015). Collection method: clinical testing. Allele origin: germline.
Comment: In summary, the available evidence is currently insufficient to determine the role of this variant in disease. Therefore, it has been classified as a Variant of Uncertain Significance. Algorithms developed to predict the effect of missense changes on protein structure and function are either unavailable or do not agree on the potential impact of this missense change (SIFT: "Not Available"; PolyPhen-2: "Benign"; Align-GVGD: "Not Available"). This variant has not been reported in the literature in individuals affected with TMEM70-related conditions. Information on the frequency of this variant in the gnomAD database is not available, as this variant may be reported differently in the database. This sequence change replaces serine, which is neutral and polar, with proline, which is neutral and non-polar, at codon 8 of the TMEM70 protein (p.Ser8Pro).